The following is an entry in ClinVar:

NM_021926.4(ALX4):c.*2750G>A

Gene: ALX4 (ALX homeobox 4; minus strand). Cytogenetic location: 11p11.2.
Variant type: single nucleotide variant.
Coding change: c.*2750G>A on transcript NM_021926.4 (MANE Select); 2750 bases downstream of the stop codon, G replaced by A.
Molecular consequence: 3 prime UTR variant.
Genome position (GRCh38, 1-based): chr11:44,262,104, C>T on the plus strand (G>A on the coding strand, the complement: ALX4 is on the minus strand). VCF-style: chr11-44262104-C-T. GRCh37 (hg19) VCF-style: chr11-44283654-C-T.
Identifiers: ClinVar variation 877314 (VCV000877314.4), dbSNP rs372769669, ClinGen allele CA221484603.

ClinVar aggregate classification (germline): Benign (1 of 4 stars; one submission).

Conditions:
Parietal foramina 2 (PFM2). Identifiers: Orphanet 60015, MedGen C1865044, MONDO:0012309, OMIM 609597.

Allele frequency attached by ClinVar (database versions not stated): TOPMed 0.00020; gnomAD 0.00029 and 0.00032; 1000 Genomes Project 0.00080; 1000 Genomes Project 30x 0.00109.

Submission:

Illumina Laboratory Services, Illumina
Classification: Benign for Parietal foramina 2. Last evaluated: 2018-01-13. Review status: criteria provided, single submitter. Criteria: ICSL Variant Classification Criteria 13 December 2019. Collection method: clinical testing. Allele origin: germline.
Comment: This variant was observed in the ICSL laboratory as part of a predisposition screen in an ostensibly healthy population. It had not been previously curated by ICSL or reported in the Human Gene Mutation Database (HGMD: prior to June 1st, 2018), and was therefore a candidate for classification through an automated scoring system. Utilizing variant allele frequency, disease prevalence and penetrance estimates, and inheritance mode, an automated score was calculated to assess if this variant is too frequent to cause the disease. Based on the score and internal cut-off values, a variant classified as benign is not then subjected to further curation. The score for this variant resulted in a classification of benign for this disease.